The following is an entry in ClinVar:

ClinVar aggregate classification (germline): Uncertain significance (1 of 4 stars; one submission).

Submission:

Women's Health and Genetics/Laboratory Corporation of America, LabCorp
Classification: Uncertain significance. Last evaluated: 2026-04-22. Review status: criteria provided, single submitter. Criteria: LabCorp Variant Classification Summary - May 2015. Collection method: clinical testing. Allele origin: germline.
Comment: Variant summary: HCN4 c.2792C>A (p.Pro931Gln) results in a non-conservative amino acid change in the encoded protein sequence. Algorithms developed to predict the effect of missense changes on protein structure and function are either unavailable or do not agree on the potential impact of this missense change. The variant was absent in 181986 control chromosomes. The available data on variant occurrences in the general population are insufficient to allow any conclusion about variant significance. To our knowledge, no occurrence of c.2792C>A in individuals affected with HCN4-related conditions and no experimental evidence demonstrating its impact on protein function have been reported. No submitters have cited clinical-significance assessments for this variant to ClinVar. Based on the evidence outlined above, the variant was classified as uncertain significance.

NM_005477.3(HCN4):c.2792C>A (p.Pro931Gln)

Gene: HCN4 (hyperpolarization activated cyclic nucleotide gated potassium channel 4; minus strand). Cytogenetic location: 15q24.1.
Variant type: single nucleotide variant.
Coding change: c.2792C>A on transcript NM_005477.3 (MANE Select); coding-DNA position 2792, C replaced by A.
Protein change: p.Pro931Gln; replaces proline 931 with glutamine.
Molecular consequence: missense variant.
Genome position (GRCh38, 1-based): chr15:73,323,301, G>T on the plus strand (C>A on the coding strand, the complement: HCN4 is on the minus strand). VCF-style: chr15-73323301-G-T. GRCh37 (hg19) VCF-style: chr15-73615642-G-T.
Other names: short protein forms P931Q.
Identifiers: ClinVar variation 4849138 (VCV004849138.1).
Genomic context (GRCh38, chr15:73,323,301, plus strand): 5'-CCTCCCCGGGCCCCGGGTGGCGCGGGAGATGGCTGGGCAGCCTGCGGGGAGCGGGCGCCT[G>T]GCTGCAGCGGGGTGAGCAGGGGAGAGTCGGAGGAGGACAGGGAGCCACCCAGCGCCTTGT-3'
Protein context (NP_005468.1, residues 921-941): SDSPLLTPLQ[Pro931Gln]GARSPQAAQP